The following is an entry in ClinVar:

NM_080680.3(COL11A2):c.4210G>T (p.Ala1404Ser)

Gene: COL11A2 (collagen type XI alpha 2 chain; minus strand). Cytogenetic location: 6p21.32.
Variant type: single nucleotide variant.
Coding change: c.4210G>T on transcript NM_080680.3 (MANE Select); coding-DNA position 4210, G replaced by T.
Protein change: p.Ala1404Ser; replaces alanine 1404 with serine.
Molecular consequence: missense variant.
Genome position (GRCh38, 1-based): chr6:33,167,090, C>A on the plus strand (G>T on the coding strand, the complement: COL11A2 is on the minus strand). VCF-style: chr6-33167090-C-A. GRCh37 (hg19) VCF-style: chr6-33134867-C-A.
Other names: c.3184G>T, p.Ala1062Ser (NM_001424110.1, NM_001424111.1); c.2164G>T, p.Ala722Ser (NM_001424112.1); c.3889G>T, p.Ala1297Ser (NM_080679.3); c.3952G>T, p.Ala1318Ser (NM_080681.3); c.4030G>T, p.Ala1344Ser (NM_001424108.1); c.3364G>T, p.Ala1122Ser (NM_001424109.1); c.4210G>T (NM_080680.2); short protein forms A1062S, A1297S, A1318S, A1122S, A1404S, A722S, A1344S.
Identifiers: ClinVar variation 2904787 (VCV002904787.4), dbSNP rs749171377, ClinGen allele CA3750183.
Genomic context (GRCh38, chr6:33,167,090, plus strand): 5'-ATGGGAGAGACACCTGGCCACGTGTCTGTCTGTCACTCACCTTCTCTCCCTTGGCTCCAG[C>A]ATCGCCCCGGAGACCAGGCAGCCCTGGGGGTCCCTGTGGAGAGATGGGAAGTCATTCTCT-3'
Protein context (NP_542411.2, residues 1394-1414): PPGLPGLRGD[Ala1404Ser]GAKGEKGHPG

ClinVar aggregate classification (germline): Conflicting classifications of pathogenicity. Review status: criteria provided, conflicting classifications (1 of 4 stars). 2 submissions from 2 submitters: Uncertain significance (1); Likely benign (1). Last evaluated 2024-06-15.

Allele frequency attached by ClinVar (database versions not stated): ExAC 0.00001.

Submissions (2):

Labcorp Genetics (formerly Invitae), Labcorp
Classification: Likely benign. Last evaluated: 2024-06-15. Review status: criteria provided, single submitter. Criteria: Invitae Variant Classification Sherloc (09022015). Collection method: clinical testing. Allele origin: germline.

GeneDx
Classification: Uncertain significance. Last evaluated: 2024-03-01. Review status: criteria provided, single submitter. Criteria: GeneDx Variant Classification Process June 2021. Collection method: clinical testing. Allele origin: germline. Affected: yes.
Comment: Not observed at significant frequency in large population cohorts (gnomAD); In silico analysis supports that this missense variant does not alter protein structure/function; Has not been previously published as pathogenic or benign to our knowledge